The following is an entry in ClinVar:

ClinVar aggregate classification (germline): Likely benign. Review status: criteria provided, multiple submitters, no conflicts (2 of 4 stars). 3 submissions from 3 submitters: Likely benign (2). 1 of the submissions does not count toward it. Last evaluated 2025-07-31.

Conditions:
SPTAN1-related disorder. Also called: SPTAN1-related disorders; SPTAN1-related condition.
Early-infantile DEE. Also called: Ohtahara syndrome; Early infantile epileptic encephalopathy with suppression bursts; Early infantile epileptic encephalopathy. Identifiers: Orphanet 1934, MedGen C0393706, MONDO:0800491.
Inborn genetic diseases. Identifiers: MedGen C0950123, MeSH D030342.

Allele frequency attached by ClinVar (database versions not stated): TOPMed 0.00001; gnomAD exomes 0.00002; ExAC 0.00003; ESP Exome Variant Server 0.00008.
gnomAD v4.1: 20 of 1,614,058 alleles (0.0012%); highest among the groups gnomAD compares: Admixed American, 0.0083%; no homozygotes.

Submissions (3):

Labcorp Genetics (formerly Invitae), Labcorp
Classification: Likely benign for Early-infantile DEE. Last evaluated: 2025-07-31. Review status: criteria provided, single submitter. Criteria: Invitae Variant Classification Sherloc (09022015). Collection method: clinical testing. Allele origin: germline.

Ambry Genetics
Classification: Likely benign for Inborn genetic diseases. Last evaluated: 2017-04-14. Review status: criteria provided, single submitter. Criteria: Ambry Variant Classification Scheme 2023. Collection method: clinical testing. Allele origin: germline.

PreventionGenetics, part of Exact Sciences
Classification: Likely benign for SPTAN1-related condition. Last evaluated: 2019-03-22. Review status: no assertion criteria provided. Collection method: clinical testing. Allele origin: germline. Not counted in ClinVar's aggregate classification.
Comment: This variant is classified as likely benign based on ACMG/AMP sequence variant interpretation guidelines (Richards et al. 2015 PMID: 25741868, with internal and published modifications).

NM_001130438.3(SPTAN1):c.4524C>T (p.Ala1508=)

Gene: SPTAN1 (spectrin alpha, non-erythrocytic 1; plus strand). Cytogenetic location: 9q34.11.
Variant type: single nucleotide variant.
Coding change: c.4524C>T on transcript NM_001130438.3 (MANE Select); coding-DNA position 4524, C replaced by T.
Protein change: p.Ala1508=; no amino-acid change (alanine 1508 retained).
Molecular consequence: synonymous variant.
Genome position (GRCh38, 1-based): chr9:128,608,906, C>T. VCF-style: chr9-128608906-C-T. GRCh37 (hg19) VCF-style: chr9-131371185-C-T.
Other names: c.4464C>T, p.Ala1488= (NM_001195532.2, NM_001363765.2); c.4524C>T, p.Ala1508= (NM_001363759.2, NM_003127.4).
Identifiers: ClinVar variation 588959 (VCV000588959.18), dbSNP rs371100708, ClinGen allele CA5265203.